The following is an entry in ClinVar:

NM_003737.4(DCHS1):c.8869del (p.Val2957fs)

Gene: DCHS1 (dachsous cadherin-related 1; minus strand). Cytogenetic location: 11p15.4.
Variant type: Deletion.
Coding change: c.8869del on transcript NM_003737.4 (MANE Select); coding-DNA position 8869, one base deleted (G; older notation c.8869delG).
Protein change: p.Val2957fs; shifts the reading frame from valine 2957.
Molecular consequence: frameshift variant.
Genome position (GRCh38, 1-based): chr11:6,622,807, C deleted on the plus strand (G on the coding strand, the reverse complement: DCHS1 is on the minus strand); the first of 2 consecutive C bases (chr11:6,622,807-6,622,808); deleting either gives the same sequence. VCF-style (leftmost placement, unchanged base first): chr11-6622806-AC-A. GRCh37 (hg19) VCF-style: chr11-6644037-AC-A.
Other names: short protein forms V2957fs.
Identifiers: ClinVar variation 4716328 (VCV004716328.1).
Genomic context (GRCh38, chr11:6,622,806, plus strand): 5'-TGTGACATTGGGCCAGGGGCTGCCTCAGCCTTGCGGCTACGGGCCCGAACAAGTCCTAGG[AC>A]CAGGGCTGCCAGTGCAAGCACCACCACAACTCCCAAGGAGGCTGCCACGGCCCCTACTAA-3'

ClinVar aggregate classification (germline): Uncertain significance (1 of 4 stars; one submission).

Submission:

Labcorp Genetics (formerly Invitae), Labcorp
Classification: Uncertain significance. Last evaluated: 2025-12-08. Review status: criteria provided, single submitter. Criteria: Invitae Variant Classification Sherloc (09022015). Collection method: clinical testing. Allele origin: germline.
Comment: This sequence change creates a premature translational stop signal (p.Val2957Serfs*2) in the DCHS1 gene. While this is not anticipated to result in nonsense mediated decay, it is expected to disrupt the last 342 amino acid(s) of the DCHS1 protein. This variant is not present in population databases (gnomAD no frequency). This variant has not been reported in the literature in individuals affected with DCHS1-related conditions. Experimental studies and prediction algorithms are not available or were not evaluated, and the functional significance of this variant is currently unknown. In summary, the available evidence is currently insufficient to determine the role of this variant in disease. Therefore, it has been classified as a Variant of Uncertain Significance.